The following is an entry in ClinVar:

ClinVar aggregate classification (germline): Uncertain significance (1 of 4 stars; one submission).

Submission:

Ambry Genetics
Classification: Uncertain significance. Last evaluated: 2025-09-07. Review status: criteria provided, single submitter. Criteria: Ambry Variant Classification Scheme 2023. Collection method: clinical testing. Allele origin: germline.
Comment: The p.E54V variant (also known as c.161A>T), located in coding exon 2 of the FAM175A gene, results from an A to T substitution at nucleotide position 161. The glutamic acid at codon 54 is replaced by valine, an amino acid with dissimilar properties. This amino acid position is conserved. In addition, this alteration is predicted to be tolerated by in silico analysis. Based on the available evidence, the clinical significance of this variant remains unclear.

NM_139076.3(ABRAXAS1):c.161A>T (p.Glu54Val)

Gene: ABRAXAS1 (abraxas 1, BRCA1 A complex subunit; minus strand). Cytogenetic location: 4q21.23.
Variant type: single nucleotide variant.
Coding change: c.161A>T on transcript NM_139076.3 (MANE Select); coding-DNA position 161, A replaced by T.
Protein change: p.Glu54Val; replaces glutamic acid 54 with valine.
Molecular consequence: missense variant. On other transcripts: 5 prime UTR variant (1).
Genome position (GRCh38, 1-based): chr4:83,482,171, T>A on the plus strand (A>T on the coding strand, the complement: ABRAXAS1 is on the minus strand). VCF-style: chr4-83482171-T-A. GRCh37 (hg19) VCF-style: chr4-84403324-T-A.
Other names: c.-100A>T (NM_001345962.2); short protein forms E54V.
Identifiers: ClinVar variation 4186517 (VCV004186517.1).